The following is an entry in ClinVar:

ClinVar aggregate classification (germline): Likely benign (1 of 4 stars; one submission).

Submission:

CeGaT Center for Human Genetics Tuebingen
Classification: Likely benign. Last evaluated: 2026-02-01. Review status: criteria provided, single submitter. Criteria: CeGaT Center For Human Genetics Tuebingen Variant Classification Criteria Version 2. Collection method: clinical testing. Allele origin: germline. Affected: yes. Observed: 1 variant allele.
Comment: BAZ2B: PM2:Supporting, BP4, BP7

NM_013450.4(BAZ2B):c.5202G>T (p.Leu1734=)

Gene: BAZ2B (bromodomain adjacent to zinc finger domain 2B; minus strand). Cytogenetic location: 2q24.2.
Variant type: single nucleotide variant.
Coding change: c.5202G>T on transcript NM_013450.4 (MANE Select); coding-DNA position 5202, G replaced by T.
Protein change: p.Leu1734=; no amino-acid change (leucine 1734 retained).
Molecular consequence: synonymous variant.
Genome position (GRCh38, 1-based): chr2:159,348,769, C>A on the plus strand (G>T on the coding strand, the complement: BAZ2B is on the minus strand). VCF-style: chr2-159348769-C-A. GRCh37 (hg19) VCF-style: chr2-160205280-C-A.
Other names: c.5094G>T, p.Leu1698= (NM_001289975.1); c.5040G>T, p.Leu1680= (NM_001329857.2); c.5127G>T, p.Leu1709= (NM_001329858.2).
Identifiers: ClinVar variation 4823227 (VCV004823227.4).